The following is an entry in ClinVar:

NM_002253.4(KDR):c.794C>T (p.Ser265Leu)

Gene: KDR (kinase insert domain receptor; minus strand). Cytogenetic location: 4q12.
Variant type: single nucleotide variant.
Coding change: c.794C>T on transcript NM_002253.4 (MANE Select); coding-DNA position 794, C replaced by T.
Protein change: p.Ser265Leu; replaces serine 265 with leucine.
Molecular consequence: missense variant.
Genome position (GRCh38, 1-based): chr4:55,114,130, G>A on the plus strand (C>T on the coding strand, the complement: KDR is on the minus strand). VCF-style: chr4-55114130-G-A. GRCh37 (hg19) VCF-style: chr4-55980297-G-A.
Other names: short protein forms S265L.
Identifiers: ClinVar variation 134614 (VCV000134614.1), dbSNP rs539911006, ClinGen allele CA160333.

ClinVar aggregate classification (germline): not provided (0 of 4 stars; one submission).

Allele frequency attached by ClinVar (database versions not stated): gnomAD exomes 0.00007 and 0.00009; ExAC 0.00008; gnomAD 0.00009; TOPMed 0.00013; 1000 Genomes Project 30x 0.00016; 1000 Genomes Project 0.00020.
gnomAD v4.1: 111 of 1,613,918 alleles (0.0069%); highest among the groups gnomAD compares: South Asian, 0.022%; no homozygotes.

Submission:

ITMI
No classification provided. Condition: AllHighlyPenetrant. Last evaluated: 2013-09-19. Review status: no classification provided. Collection method: reference population. Allele origin: germline.
Comment: Please see associated publication for description of ethnicities

Literature cited by the submitters: PubMed 24728327.